The following is an entry in ClinVar:

NM_001353345.2(SETD1B):c.3409T>C (p.Ser1137Pro)

Gene: SETD1B (SET domain containing 1B, histone lysine methyltransferase; plus strand). Cytogenetic location: 12q24.31.
Variant type: single nucleotide variant.
Coding change: c.3409T>C on transcript NM_001353345.2 (MANE Select); coding-DNA position 3409, T replaced by C.
Protein change: p.Ser1137Pro; replaces serine 1137 with proline.
Molecular consequence: missense variant.
Genome position (GRCh38, 1-based): chr12:121,817,895, T>C. VCF-style: chr12-121817895-T-C. GRCh37 (hg19) VCF-style: chr12-122255801-T-C.
Other names: short protein forms S1137P.
Identifiers: ClinVar variation 5003136 (VCV005003136.1).

ClinVar aggregate classification (germline): Uncertain significance (1 of 4 stars; one submission).

Conditions:
Intellectual developmental disorder with seizures and language delay (IDDSELD). Identifiers: MedGen C5436574, MONDO:0033559, OMIM 619000.

Submission:

OLLIN Analises Genomicas, OLLIN
Classification: Uncertain significance for Intellectual developmental disorder with seizures and language delay. Last evaluated: 2026-08-06. Review status: criteria provided, single submitter. Criteria: ACMG Guidelines 2015 PMID 25741868. Collection method: clinical testing. Allele origin: germline. Inheritance: Autosomal dominant inheritance.
Comment: This missense variant, located in exon 10 (of 17), is absent from gnomAD and ClinVar and has not been identified in the literature. In silico analysis predicts that this variant has a tolerated effect. This gene is constrained for missense variation. According to the currently available evidence, this variant has been classified as uncertain significance (PM2_P, PP2, BP4_S).